The following is an entry in ClinVar:

NM_031844.3(HNRNPU):c.1435G>A (p.Val479Ile)

Gene: HNRNPU (heterogeneous nuclear ribonucleoprotein U; minus strand). Cytogenetic location: 1q44.
Variant type: single nucleotide variant.
Coding change: c.1435G>A on transcript NM_031844.3 (MANE Select); coding-DNA position 1435, G replaced by A.
Protein change: p.Val479Ile; replaces valine 479 with isoleucine.
Molecular consequence: missense variant.
Genome position (GRCh38, 1-based): chr1:244,858,070, C>T on the plus strand (G>A on the coding strand, the complement: HNRNPU is on the minus strand). VCF-style: chr1-244858070-C-T. GRCh37 (hg19) VCF-style: chr1-245021372-C-T.
Other names: c.1378G>A, p.Val460Ile (NM_004501.3); short protein forms V460I, V479I.
Identifiers: ClinVar variation 2989905 (VCV002989905.4), dbSNP rs1292923449, ClinGen allele CA345491601.

ClinVar aggregate classification (germline): Uncertain significance. Review status: criteria provided, multiple submitters, no conflicts (2 of 4 stars). 2 submissions from 2 submitters: Uncertain significance (2). Last evaluated 2024-04-02.

Conditions:
Developmental and epileptic encephalopathy, 54. Also called: HNRNPU-Related Neurodevelopmental Disorder; Epileptic encephalopathy, early infantile, 54. Identifiers: MedGen C4479319, MONDO:0033363, OMIM 617391.

Allele frequency attached by ClinVar (database versions not stated): TOPMed below 0.00001; gnomAD exomes 0.00001.
gnomAD v4.1: 4 of 1,613,840 alleles (0.00025%); highest among the groups gnomAD compares: Non-Finnish European, 0.00025%; no homozygotes.

Submissions (2):

Labcorp Genetics (formerly Invitae), Labcorp
Classification: Uncertain significance for Developmental and epileptic encephalopathy, 54. Last evaluated: 2024-04-02. Review status: criteria provided, single submitter. Criteria: Invitae Variant Classification Sherloc (09022015). Collection method: clinical testing. Allele origin: germline.
Comment: This sequence change replaces valine, which is neutral and non-polar, with isoleucine, which is neutral and non-polar, at codon 479 of the HNRNPU protein (p.Val479Ile). This variant is not present in population databases (gnomAD no frequency). This missense change has been observed in individual(s) with HNRNPU-related conditions (PMID: 33874999). Advanced modeling of protein sequence and biophysical properties (such as structural, functional, and spatial information, amino acid conservation, physicochemical variation, residue mobility, and thermodynamic stability) performed at Invitae indicates that this missense variant is not expected to disrupt HNRNPU protein function with a negative predictive value of 80%. In summary, the available evidence is currently insufficient to determine the role of this variant in disease. Therefore, it has been classified as a Variant of Uncertain Significance.

Blueprint Genetics
Classification: Uncertain significance. Last evaluated: 2022-05-12. Review status: criteria provided, single submitter. Criteria: ACMG Guidelines, 2015. Collection method: clinical testing. Allele origin: germline.

Literature cited by the submitters: PubMed 33874999 (cited by Labcorp Genetics (formerly Invitae), Labcorp).